The following is an entry in ClinVar:

ClinVar aggregate classification (germline): Uncertain significance. Review status: criteria provided, multiple submitters, no conflicts (2 of 4 stars). 2 submissions from 2 submitters: Uncertain significance (2). Last evaluated 2024-04-27.

Conditions:
Finnish type amyloidosis. Also called: AMYLOID CRANIAL NEUROPATHY WITH LATTICE CORNEAL DYSTROPHY; AMYLOIDOSIS DUE TO MUTANT GELSOLIN; Amyloidosis, familial, Finnish type; Meretoja type amyloidosis; Amyloidosis 5; AMYLOIDOSIS, HEREDITARY SYSTEMIC 4, FINNISH TYPE. Identifiers: Orphanet 85448, MedGen C1622345, MONDO:0007097, OMIM 105120.

Allele frequency attached by ClinVar (database versions not stated): gnomAD exomes below 0.00001.
gnomAD v4.1: 2 of 1,613,738 alleles (0.00012%); highest among the groups gnomAD compares: South Asian, 0.0011%; no homozygotes.

Submissions (2):

Fulgent Genetics
Classification: Uncertain significance for Finnish type amyloidosis. Last evaluated: 2024-04-27. Review status: criteria provided, single submitter. Criteria: ACMG Guidelines, 2015. Collection method: clinical testing. Allele origin: germline.

Labcorp Genetics (formerly Invitae), Labcorp
Classification: Uncertain significance. Last evaluated: 2023-03-26. Review status: criteria provided, single submitter. Criteria: Invitae Variant Classification Sherloc (09022015). Collection method: clinical testing. Allele origin: germline.
Comment: This sequence change replaces threonine, which is neutral and polar, with alanine, which is neutral and non-polar, at codon 608 of the GSN protein (p.Thr608Ala). This variant is not present in population databases (gnomAD no frequency). This variant has not been reported in the literature in individuals affected with GSN-related conditions. Algorithms developed to predict the effect of missense changes on protein structure and function output the following: SIFT: "Not Available"; PolyPhen-2: "Benign"; Align-GVGD: "Not Available". The alanine amino acid residue is found in multiple mammalian species, which suggests that this missense change does not adversely affect protein function. In summary, the available evidence is currently insufficient to determine the role of this variant in disease. Therefore, it has been classified as a Variant of Uncertain Significance.

NM_198252.3(GSN):c.1669A>G (p.Thr557Ala)

Gene: GSN (gelsolin; plus strand). Cytogenetic location: 9q33.2.
Variant type: single nucleotide variant.
Coding change: c.1669A>G on transcript NM_198252.3 (MANE Select); coding-DNA position 1669, A replaced by G.
Protein change: p.Thr557Ala; replaces threonine 557 with alanine.
Molecular consequence: missense variant.
Genome position (GRCh38, 1-based): chr9:121,327,389, A>G. VCF-style: chr9-121327389-A-G. GRCh37 (hg19) VCF-style: chr9-124089667-A-G.
Other names: c.1822A>G, p.Thr608Ala (NM_000177.5); c.1669A>G, p.Thr557Ala (NM_001127662.2, NM_001127664.2, NM_001127665.2 and 10 more transcripts); c.1777A>G, p.Thr593Ala (NM_001127663.2); c.1702A>G, p.Thr568Ala (NM_001127666.2, NM_001127667.2, NM_001353063.2 and 13 more transcripts); c.1720A>G, p.Thr574Ala (NM_001258029.2); c.1693A>G, p.Thr565Ala (NM_001258030.2); c.1741A>G, p.Thr581Ala (NM_001353076.2); c.1015A>G, p.Thr339Ala (NM_001353078.2); short protein forms T557A, T565A, T568A, T608A, T339A, T581A, T593A, T574A.
Identifiers: ClinVar variation 2985128 (VCV002985128.4), dbSNP rs2541253972, ClinGen allele CA374755868.